The following is an entry in ClinVar:

NM_002582.4(PARN):c.1684A>G (p.Ser562Gly)

Gene: PARN (poly(A)-specific ribonuclease; minus strand). Cytogenetic location: 16p13.12.
Variant type: single nucleotide variant.
Coding change: c.1684A>G on transcript NM_002582.4 (MANE Select); coding-DNA position 1684, A replaced by G.
Protein change: p.Ser562Gly; replaces serine 562 with glycine.
Molecular consequence: missense variant.
Genome position (GRCh38, 1-based): chr16:14,447,068, T>C on the plus strand (A>G on the coding strand, the complement: PARN is on the minus strand). VCF-style: chr16-14447068-T-C. GRCh37 (hg19) VCF-style: chr16-14540925-T-C.
Other names: c.1501A>G, p.Ser501Gly (NM_001134477.3); c.1546A>G, p.Ser516Gly (NM_001242992.2); c.1684A>G (NM_002582.3); short protein forms S516G, S562G, S501G.
Identifiers: ClinVar variation 2179612 (VCV002179612.5), dbSNP rs767471431, ClinGen allele CA7911947.

ClinVar aggregate classification (germline): Uncertain significance. Review status: criteria provided, multiple submitters, no conflicts (2 of 4 stars). 2 submissions from 2 submitters: Uncertain significance (2). Last evaluated 2024-12-26.

Conditions:
Dyskeratosis congenita, autosomal recessive 6 (DKCB6). Identifiers: MedGen C4225356, MONDO:0014600, OMIM 616353.
Pulmonary fibrosis and/or bone marrow failure, Telomere-related, 4. Also called: PULMONARY FIBROSIS AND/OR BONE MARROW FAILURE SYNDROME, TELOMERE-RELATED, 4. Identifiers: Orphanet 2032, MedGen C4225347, MONDO:0014612, OMIM 616371.

Allele frequency attached by ClinVar (database versions not stated): gnomAD exomes below 0.00001; gnomAD 0.00001; TOPMed 0.00002; ExAC 0.00003.
gnomAD v4.1: 8 of 1,612,010 alleles (0.0005%); highest among the groups gnomAD compares: East Asian, 0.018%; no homozygotes.

Submissions (2):

Labcorp Genetics (formerly Invitae), Labcorp
Classification: Uncertain significance for Dyskeratosis congenita, autosomal recessive 6; Pulmonary fibrosis and/or bone marrow failure, Telomere-related, 4. Last evaluated: 2024-12-26. Review status: criteria provided, single submitter. Criteria: Invitae Variant Classification Sherloc (09022015). Collection method: clinical testing. Allele origin: germline.
Comment: This sequence change replaces serine, which is neutral and polar, with glycine, which is neutral and non-polar, at codon 562 of the PARN protein (p.Ser562Gly). This variant is present in population databases (rs767471431, gnomAD 0.05%). This variant has not been reported in the literature in individuals affected with PARN-related conditions. ClinVar contains an entry for this variant (Variation ID: 2179612). An algorithm developed to predict the effect of missense changes on protein structure and function outputs the following: PolyPhen-2: "Benign". The glycine amino acid residue is found in multiple mammalian species, which suggests that this missense change does not adversely affect protein function. In summary, the available evidence is currently insufficient to determine the role of this variant in disease. Therefore, it has been classified as a Variant of Uncertain Significance.

Fulgent Genetics
Classification: Uncertain significance for Dyskeratosis congenita, autosomal recessive 6; Pulmonary fibrosis and/or bone marrow failure, Telomere-related, 4. Last evaluated: 2024-05-30. Review status: criteria provided, single submitter. Criteria: ACMG Guidelines, 2015. Collection method: clinical testing. Allele origin: germline.